The following is an entry in ClinVar:

ClinVar aggregate classification (germline): Pathogenic. Review status: criteria provided, multiple submitters, no conflicts (2 of 4 stars). 4 submissions from 4 submitters: Pathogenic (3). 1 of the submissions does not count toward it. Last evaluated 2025-10-27.

Conditions:
Kindler syndrome (KNDLRS). Also called: Poikiloderma of Kindler; Congenital bullous poikiloderma; POIKILODERMA, CONGENITAL, WITH BULLAE, WEARY TYPE; POIKILODERMA, HEREDITARY ACROKERATOTIC; Hereditary acrokeratotic poikiloderma of Weary; Kindler's syndrome. Identifiers: Orphanet 2908, Orphanet 306539, MedGen C0406557, MONDO:0008260, OMIM 173650.
FERMT1-related disorder. Also called: FERMT1-related condition.

Allele frequency attached by ClinVar (database versions not stated): ExAC 0.00002; gnomAD 0.00003 and 0.00004; gnomAD exomes 0.00003; TOPMed 0.00006.

Submissions (4):

Labcorp Genetics (formerly Invitae), Labcorp
Classification: Pathogenic. Last evaluated: 2025-10-27. Review status: criteria provided, single submitter. Criteria: Invitae Variant Classification Sherloc (09022015). Collection method: clinical testing. Allele origin: germline.
Comment: This sequence change creates a premature translational stop signal (p.Arg110*) in the FERMT1 gene. It is expected to result in an absent or disrupted protein product. Loss-of-function variants in FERMT1 are known to be pathogenic (PMID: 14962093, 21936020). This variant is present in population databases (rs765716291, gnomAD 0.008%). This premature translational stop signal has been observed in individuals with Kindler syndrome (PMID: 19762715, 20938162, 24346923). ClinVar contains an entry for this variant (Variation ID: 1322895). Algorithms developed to predict the effect of sequence changes on RNA splicing suggest that this variant may disrupt the consensus splice site. For these reasons, this variant has been classified as Pathogenic.

PreventionGenetics, part of Exact Sciences
Classification: Pathogenic for FERMT1-related condition. Last evaluated: 2025-04-01. Review status: criteria provided, single submitter. Criteria: ACMG Guidelines, 2015. Collection method: clinical testing. Allele origin: germline.
Comment: The FERMT1 c.328C>T variant is predicted to result in premature protein termination (p.Arg110*). This variant has been reported as a common causative variant identified in individuals with Kindler syndrome (e.g., Has et al. 2009. PubMed ID: 19762715; Guerrero-Aspizua et al. 2019. PubMed ID: 31340837). This variant is reported in 0.0080% of alleles in individuals of European (Finnish) descent in gnomAD. This variant is interpreted as pathogenic.

Neuberg Centre For Genomic Medicine, NCGM
Classification: Pathogenic for Kindler syndrome. Last evaluated: 2023-06-22. Review status: criteria provided, single submitter. Criteria: ACMG Guidelines, 2015. Collection method: clinical testing. Allele origin: germline. Inheritance: Autosomal recessive inheritance. Affected: yes.
Comment: The observed stop gain c.328C>Tp.Arg110Ter variant in FERMT1 gene has been reported previously in compound heterozygous/ homozygous state in patients affected with Kindler syndrome Almeida HL Jr, et. al., 2013; Has C, et. al.,2010; Has C, et. al, 2009. This variant is present with an allele frequency of 0.003% in gnomAD Exomes database. This variant has been submitted to the ClinVar database as Pathogenic. Computational evidence MutationTaster - Disease causing predict damaging effect on protein structure and function for this variant. The nucleotide change c.328C>T in FERMT1 is predicted as conserved by GERP++ and PhyloP across 100 vertebrates. This variant is predicted to cause loss of normal protein function through protein truncation. Loss of function variants have been previously reported to be disease causing Has C, et. al., 2011. For these reasons, this variant has been classified as Pathogenic.

GeneReviews
No classification provided. Condition: Kindler syndrome. Review status: no classification provided. Collection method: literature only. Allele origin: germline. Not counted in ClinVar's aggregate classification.
Comment: Common pathogenic variant

Literature cited by the submitters: PubMed 14962093 (cited by Labcorp Genetics (formerly Invitae), Labcorp); PubMed 21936020 (cited by Labcorp Genetics (formerly Invitae), Labcorp); PubMed 19762715 (cited by Labcorp Genetics (formerly Invitae), Labcorp); PubMed 20938162 (cited by Labcorp Genetics (formerly Invitae), Labcorp and GeneReviews); PubMed 24346923 (cited by Labcorp Genetics (formerly Invitae), Labcorp and GeneReviews); NCBI Bookshelf NBK349072 (cited by GeneReviews); PubMed 31340837 (cited by GeneReviews).

NM_017671.5(FERMT1):c.328C>T (p.Arg110Ter)

Gene: FERMT1 (FERM domain containing kindlin 1; minus strand). Cytogenetic location: 20p12.3.
Variant type: single nucleotide variant.
Coding change: c.328C>T on transcript NM_017671.5 (MANE Select); coding-DNA position 328, C replaced by T.
Protein change: p.Arg110Ter; replaces arginine 110 with a stop codon.
Molecular consequence: nonsense.
Genome position (GRCh38, 1-based): chr20:6,115,868, G>A on the plus strand (C>T on the coding strand, the complement: FERMT1 is on the minus strand). VCF-style: chr20-6115868-G-A. GRCh37 (hg19) VCF-style: chr20-6096515-G-A.
Other names: short protein forms R110*.
Identifiers: ClinVar variation 1322895 (VCV001322895.13), dbSNP rs765716291, ClinGen allele CA9758489.